The following is an entry in ClinVar:

NM_001177316.2(SLC34A3):c.460C>T (p.Arg154Trp)

Gene: SLC34A3 (solute carrier family 34 member 3; plus strand). Cytogenetic location: 9q34.3.
Variant type: single nucleotide variant.
Coding change: c.460C>T on transcript NM_001177316.2 (MANE Select); coding-DNA position 460, C replaced by T.
Protein change: p.Arg154Trp; replaces arginine 154 with tryptophan.
Molecular consequence: missense variant.
Genome position (GRCh38, 1-based): chr9:137,233,015, C>T. VCF-style: chr9-137233015-C-T. GRCh37 (hg19) VCF-style: chr9-140127467-C-T.
Other names: c.460C>T, p.Arg154Trp (NM_001177317.2, NM_080877.3); short protein forms R154W.
Identifiers: ClinVar variation 967196 (VCV000967196.8), dbSNP rs373109398, ClinGen allele CA5364423.

ClinVar aggregate classification (germline): Conflicting classifications of pathogenicity. Review status: criteria provided, conflicting classifications (1 of 4 stars). 4 submissions from 4 submitters: Likely pathogenic (1); Uncertain significance (3). Last evaluated 2025-10-03.

Conditions:
Inborn genetic diseases. Identifiers: MedGen C0950123, MeSH D030342.
Autosomal recessive hypophosphatemic bone disease (HHRH). Also called: HYPERCALCIURIC RICKETS; Hypophosphatemic rickets with hypercalciuria. Identifiers: Orphanet 157215, MedGen C1853271, MONDO:0009431, OMIM 241530.

Allele frequency attached by ClinVar (database versions not stated): gnomAD exomes 0.00002 and 0.00005; TOPMed 0.00003; gnomAD 0.00004; ExAC 0.00005; ESP Exome Variant Server 0.00008.

Submissions (4):

Rare Kidney Stone Consortium and the Mayo Clinic Hyperoxaluria Center, Mayo Clinic
Classification: Likely pathogenic for Autosomal recessive hypophosphatemic bone disease. Last evaluated: 2025-10-03. Review status: criteria provided, single submitter. Criteria: ACMG Guidelines, 2015. Collection method: research. Allele origin: germline. Affected: yes. Observed: 1 variant allele.
Comment: ACMG:PM1, PM2, PM3

Blueprint Genetics
Classification: Uncertain significance. Last evaluated: 2024-09-18. Review status: criteria provided, single submitter. Criteria: ACMG Guidelines, 2015. Collection method: clinical testing. Allele origin: germline.

Ambry Genetics
Classification: Uncertain significance for Inborn genetic diseases. Last evaluated: 2023-02-28. Review status: criteria provided, single submitter. Criteria: Ambry Variant Classification Scheme 2023. Collection method: clinical testing. Allele origin: germline.

Labcorp Genetics (formerly Invitae), Labcorp
Classification: Uncertain significance. Last evaluated: 2021-09-17. Review status: criteria provided, single submitter. Criteria: Invitae Variant Classification Sherloc (09022015). Collection method: clinical testing. Allele origin: germline.
Comment: This sequence change replaces arginine with tryptophan at codon 154 of the SLC34A3 protein (p.Arg154Trp). The arginine residue is weakly conserved and there is a moderate physicochemical difference between arginine and tryptophan. This variant is present in population databases (rs373109398, ExAC 0.007%). This variant has not been reported in the literature in individuals affected with SLC34A3-related conditions. Algorithms developed to predict the effect of missense changes on protein structure and function are either unavailable or do not agree on the potential impact of this missense change (SIFT: "Deleterious"; PolyPhen-2: "Possibly Damaging"; Align-GVGD: "Class C0"). In summary, the available evidence is currently insufficient to determine the role of this variant in disease. Therefore, it has been classified as a Variant of Uncertain Significance.

Literature cited by the submitters: PubMed 40794449 (cited by Rare Kidney Stone Consortium and the Mayo Clinic Hyperoxaluria Center, Mayo Clinic).